The following is an entry in ClinVar:

NM_001035.3(RYR2):c.4848C>G (p.Gly1616=)

Gene: RYR2 (ryanodine receptor 2; plus strand). Cytogenetic location: 1q43.
Variant type: single nucleotide variant.
Coding change: c.4848C>G on transcript NM_001035.3 (MANE Select); coding-DNA position 4848, C replaced by G.
Protein change: p.Gly1616=; no amino-acid change (glycine 1616 retained).
Molecular consequence: synonymous variant.
Genome position (GRCh38, 1-based): chr1:237,610,926, C>G. VCF-style: chr1-237610926-C-G. GRCh37 (hg19) VCF-style: chr1-237774226-C-G.
Identifiers: ClinVar variation 923379 (VCV000923379.3), dbSNP rs1308711902, ClinGen allele CA424031040.

ClinVar aggregate classification (germline): Likely benign. Review status: criteria provided, multiple submitters, no conflicts (2 of 4 stars). 2 submissions from 2 submitters: Likely benign (2). Last evaluated 2024-05-30.

Conditions:
Catecholaminergic polymorphic ventricular tachycardia (CVPT). Also called: Catecholamine-induced polymorphic ventricular tachycardia. Identifiers: Orphanet 3286, MedGen C5574922, MONDO:0017990.
Cardiomyopathy (CMYO). Also called: Cardiomyopathies. Identifiers: Orphanet 167848, MedGen C0878544, MONDO:0004994, HP:0001638. Inheritance: Various modes of inheritance.

Allele frequency attached by ClinVar (database versions not stated): TOPMed 0.00001; gnomAD 0.00002.
gnomAD v4.1: 9 of 1,613,356 alleles (0.00056%); highest among the groups gnomAD compares: East Asian, 0.0022%; no homozygotes.

Submissions (2):

All of Us Research Program, National Institutes of Health
Classification: Likely benign for Catecholaminergic polymorphic ventricular tachycardia. Last evaluated: 2024-05-30. Review status: criteria provided, single submitter. Criteria: ACMG Guidelines, 2015. Collection method: clinical testing. Allele origin: germline. Inheritance: Autosomal dominant inheritance. Observed: 1 variant allele, 1 heterozygote.
Comment: This study involves interpretation of variants in research participants for the purpose of population health screening. Participant phenotype was not available at the time of variant classification. Additional details can be found in publication PMID: 35346344, PMCID: PMC8962531

Color Diagnostics, LLC DBA Color Health
Classification: Likely benign for Cardiomyopathy. Last evaluated: 2019-01-07. Review status: criteria provided, single submitter. Criteria: ACMG Guidelines, 2015. Collection method: clinical testing. Allele origin: germline.